The following is an entry in ClinVar:

NM_001130438.3(SPTAN1):c.5433C>G (p.His1811Gln)

Gene: SPTAN1 (spectrin alpha, non-erythrocytic 1; plus strand). Cytogenetic location: 9q34.11.
Variant type: single nucleotide variant.
Coding change: c.5433C>G on transcript NM_001130438.3 (MANE Select); coding-DNA position 5433, C replaced by G.
Protein change: p.His1811Gln; replaces histidine 1811 with glutamine.
Molecular consequence: missense variant.
Genome position (GRCh38, 1-based): chr9:128,617,715, C>G. VCF-style: chr9-128617715-C-G. GRCh37 (hg19) VCF-style: chr9-131379994-C-G.
Other names: c.5358C>G, p.His1786Gln (NM_001195532.2); c.5433C>G, p.His1811Gln (NM_001363759.2, NM_001375310.1, NM_001375311.2 and 1 more transcripts); c.5373C>G, p.His1791Gln (NM_001363765.2, NM_001375314.2); c.5469C>G, p.His1823Gln (NM_001375312.2, NM_001375318.1); c.5418C>G, p.His1806Gln (NM_003127.4); short protein forms H1806Q, H1786Q, H1791Q, H1823Q, H1811Q.
Identifiers: ClinVar variation 802518 (VCV000802518.6), dbSNP rs772382171, ClinGen allele CA375076269.

ClinVar aggregate classification (germline): Uncertain significance. Review status: criteria provided, multiple submitters, no conflicts (2 of 4 stars). 2 submissions from 2 submitters: Uncertain significance (2). Last evaluated 2024-06-17.

Conditions:
Developmental and epileptic encephalopathy, 5 (DEE5). Identifiers: Orphanet 3451, MedGen C3150731, MONDO:0013277, OMIM 613477.
Early-infantile DEE. Also called: Early infantile epileptic encephalopathy; Ohtahara syndrome; Early infantile epileptic encephalopathy with suppression bursts. Identifiers: Orphanet 1934, MedGen C0393706, MONDO:0800491.

Allele frequency attached by ClinVar (database versions not stated): gnomAD 0.00001; TOPMed 0.00002.
gnomAD v4.1: 8 of 1,614,022 alleles (0.0005%); highest among the groups gnomAD compares: Admixed American, 0.0083%; no homozygotes.

Submissions (2):

Labcorp Genetics (formerly Invitae), Labcorp
Classification: Uncertain significance for Early-infantile DEE. Last evaluated: 2024-06-17. Review status: criteria provided, single submitter. Criteria: Invitae Variant Classification Sherloc (09022015). Collection method: clinical testing. Allele origin: germline.
Comment: This sequence change replaces histidine, which is basic and polar, with glutamine, which is neutral and polar, at codon 1811 of the SPTAN1 protein (p.His1811Gln). This variant is present in population databases (no rsID available, gnomAD 0.006%). This variant has not been reported in the literature in individuals affected with SPTAN1-related conditions. ClinVar contains an entry for this variant (Variation ID: 802518). Advanced modeling of protein sequence and biophysical properties (such as structural, functional, and spatial information, amino acid conservation, physicochemical variation, residue mobility, and thermodynamic stability) has been performed at Invitae for this missense variant, however the output from this modeling did not meet the statistical confidence thresholds required to predict the impact of this variant on SPTAN1 protein function. In summary, the available evidence is currently insufficient to determine the role of this variant in disease. Therefore, it has been classified as a Variant of Uncertain Significance.

Mendelics
Classification: Uncertain significance for Developmental and epileptic encephalopathy, 5. Last evaluated: 2019-05-28. Review status: criteria provided, single submitter. Criteria: Mendelics Assertion Criteria 2017. Collection method: clinical testing. Allele origin: unknown.